The following is an entry in ClinVar:

ClinVar aggregate classification (germline): Uncertain significance (1 of 4 stars; one submission).

Submission:

Labcorp Genetics (formerly Invitae), Labcorp
Classification: Uncertain significance. Last evaluated: 2021-08-12. Review status: criteria provided, single submitter. Criteria: Invitae Variant Classification Sherloc (09022015). Collection method: clinical testing. Allele origin: germline.
Comment: This variant is not present in population databases (ExAC no frequency). This variant has not been reported in the literature in individuals affected with RASGRP1-related conditions. Algorithms developed to predict the effect of missense changes on protein structure and function (SIFT, PolyPhen-2, Align-GVGD) all suggest that this variant is likely to be tolerated. In summary, the available evidence is currently insufficient to determine the role of this variant in disease. Therefore, it has been classified as a Variant of Uncertain Significance. This sequence change replaces asparagine with lysine at codon 32 of the RASGRP1 protein (p.Asn32Lys). The asparagine residue is weakly conserved and there is a moderate physicochemical difference between asparagine and lysine.

NM_005739.4(RASGRP1):c.96C>G (p.Asn32Lys)

Gene: RASGRP1 (RAS guanyl releasing protein 1; minus strand). Cytogenetic location: 15q14.
Variant type: single nucleotide variant.
Coding change: c.96C>G on transcript NM_005739.4 (MANE Select); coding-DNA position 96, C replaced by G.
Protein change: p.Asn32Lys; replaces asparagine 32 with lysine.
Molecular consequence: missense variant.
Genome position (GRCh38, 1-based): chr15:38,559,945, G>C on the plus strand (C>G on the coding strand, the complement: RASGRP1 is on the minus strand). VCF-style: chr15-38559945-G-C. GRCh37 (hg19) VCF-style: chr15-38852146-G-C.
Other names: c.96C>G, p.Asn32Lys (NM_001128602.2, NM_001306086.2); short protein forms N32K.
Identifiers: ClinVar variation 1397189 (VCV001397189.6), dbSNP rs747800230, ClinGen allele CA391663156.
Genomic context (GRCh38, chr15:38,559,945, plus strand): 5'-AGACACCATCATTCGGAACTGGGTGATGTGGGCCAAGCTGGGATGGGAGGGGAAGGGGCT[G>C]TTGGCTGGCTTTGCCTCTAGTCTTGCTTTAGAGGCAGCTCTGCAGCCATGGGAAGGTTTC-3'
Protein context (NP_005730.2, residues 22-42): SKARLEAKPA[Asn32Lys]SPFPSHPSLA